The following is an entry in ClinVar:

NM_004715.5(CTDP1):c.1949C>T (p.Pro650Leu)

Gene: CTDP1 (CTD phosphatase subunit 1; plus strand). Cytogenetic location: 18q23.
Variant type: single nucleotide variant.
Coding change: c.1949C>T on transcript NM_004715.5 (MANE Select); coding-DNA position 1949, C replaced by T.
Protein change: p.Pro650Leu; replaces proline 650 with leucine.
Molecular consequence: missense variant.
Genome position (GRCh38, 1-based): chr18:79,715,409, C>T. VCF-style: chr18-79715409-C-T. GRCh37 (hg19) VCF-style: chr18-77475409-C-T.
Other names: c.1592C>T, p.Pro531Leu (NM_001202504.1); c.1949C>T, p.Pro650Leu (NM_001318511.2, NM_048368.4); short protein forms P531L, P650L.
Identifiers: ClinVar variation 2412974 (VCV002412974.3), dbSNP rs1227734595, ClinGen allele CA402832613.

ClinVar aggregate classification (germline): Uncertain significance (1 of 4 stars; one submission).

Allele frequency attached by ClinVar (database versions not stated): TOPMed below 0.00001.
gnomAD v4.1: 10 of 1,602,990 alleles (0.00062%); highest among the groups gnomAD compares: Non-Finnish European, 0.00085%; no homozygotes.

Submission:

GeneDx
Classification: Uncertain significance. Last evaluated: 2022-07-28. Review status: criteria provided, single submitter. Criteria: GeneDx Variant Classification Process June 2021. Collection method: clinical testing. Allele origin: germline. Affected: yes.
Comment: Not observed at significant frequency in large population cohorts (gnomAD); In silico analysis supports that this missense variant has a deleterious effect on protein structure/function; Has not been previously published as pathogenic or benign to our knowledge